The following is an entry in ClinVar:

NM_016580.4(PCDH12):c.2230AAG[1] (p.Lys745del)

Genes: PCDH12 (protocadherin 12; minus strand), RNF14 (ring finger protein 14; plus strand). Cytogenetic location: 5q31.3.
Variant type: Microsatellite.
Coding change: c.2230AAG[1] on transcript NM_016580.4 (MANE Select); one copy of the 3-base unit AAG starting at c.2230; the reference has two copies in a row; one copy, 3 bases deleted.
Protein change: p.Lys745del; deletes lysine 745.
Molecular consequence: inframe deletion.
Genome position (GRCh38, 1-based): chr5:141,955,617-141,955,619, CTT deleted on the plus strand (AAG on the coding strand, the reverse complement: PCDH12 is on the minus strand); deleting any 3 consecutive bases within chr5:141,955,617-141,955,622 gives the same sequence; the position shown is the placement nearest the transcript's 3' end. VCF-style (leftmost placement, unchanged base first): chr5-141955616-CCTT-C. GRCh37 (hg19) VCF-style: chr5-141335181-CCTT-C.
Other names: c.2233_2235delAAG (NM_016580.3); short protein forms K745del.
Identifiers: ClinVar variation 787295 (VCV000787295.13), dbSNP rs367853620, ClinGen allele CA3484252.

ClinVar aggregate classification (germline): Benign/Likely benign. Review status: criteria provided, multiple submitters, no conflicts (2 of 4 stars). 3 submissions from 3 submitters: Benign (1); Likely benign (2). Last evaluated 2026-06-01.

Conditions:
PCDH12-related disorder. Also called: PCDH12-related condition.

Submissions (3):

CeGaT Center for Human Genetics Tuebingen
Classification: Likely benign. Last evaluated: 2026-06-01. Review status: criteria provided, single submitter. Criteria: CeGaT Center For Human Genetics Tuebingen Variant Classification Criteria Version 2. Collection method: clinical testing. Allele origin: germline. Affected: yes. Observed: 1 variant allele.
Comment: PCDH12: PM4:Supporting, BS1

PreventionGenetics, part of Exact Sciences
Classification: Likely benign for PCDH12-related condition. Last evaluated: 2026-03-12. Review status: criteria provided, single submitter. Criteria: ACMG Guidelines, 2015. Collection method: clinical testing. Allele origin: germline.
Comment: This variant is classified as likely benign based on ACMG/AMP sequence variant interpretation guidelines (Richards et al. 2015 PMID: 25741868, with internal and published modifications).

Labcorp Genetics (formerly Invitae), Labcorp
Classification: Benign. Last evaluated: 2025-12-16. Review status: criteria provided, single submitter. Criteria: Invitae Variant Classification Sherloc (09022015). Collection method: clinical testing. Allele origin: germline.